The following is an entry in ClinVar:

NM_001128840.3(CACNA1D):c.6106T>C (p.Phe2036Leu)

Gene: CACNA1D (calcium voltage-gated channel subunit alpha1 D; plus strand). Cytogenetic location: 3p21.1.
Variant type: single nucleotide variant.
Coding change: c.6106T>C on transcript NM_001128840.3 (MANE Select); coding-DNA position 6106, T replaced by C.
Protein change: p.Phe2036Leu; replaces phenylalanine 2036 with leucine.
Molecular consequence: missense variant.
Genome position (GRCh38, 1-based): chr3:53,810,212, T>C. VCF-style: chr3-53810212-T-C. GRCh37 (hg19) VCF-style: chr3-53844239-T-C.
Other names: c.6166T>C, p.Phe2056Leu (NM_000720.4); c.6034T>C, p.Phe2012Leu (NM_001128839.3); short protein forms F2012L, F2036L, F2056L.
Identifiers: ClinVar variation 2820146 (VCV002820146.3), dbSNP rs2095589460, ClinGen allele CA353258480.
Genomic context (GRCh38, chr3:53,810,212, plus strand): 5'-CTGCCGTCCCTGCACCGCAGCTCCTGGTACACAGACGAGCCCGACATCTCCTACCGGACT[T>C]TCACACCAGCCAGCCTGACTGTCCCCAGCAGCTTCCGGAACAAAAACAGCGACAAGCAGA-3'
Protein context (NP_001122312.1, residues 2026-2046): TDEPDISYRT[Phe2036Leu]TPASLTVPSS

ClinVar aggregate classification (germline): Uncertain significance (1 of 4 stars; one submission).

Allele frequency attached by ClinVar (database versions not stated): gnomAD exomes below 0.00001.
gnomAD v4.1: 1 of 1,613,944 alleles (0.000062%); no homozygotes.

Submission:

Labcorp Genetics (formerly Invitae), Labcorp
Classification: Uncertain significance. Last evaluated: 2023-04-12. Review status: criteria provided, single submitter. Criteria: Invitae Variant Classification Sherloc (09022015). Collection method: clinical testing. Allele origin: germline.
Comment: In summary, the available evidence is currently insufficient to determine the role of this variant in disease. Therefore, it has been classified as a Variant of Uncertain Significance. An algorithm developed to predict the effect of missense changes on protein structure and function (PolyPhen-2) suggests that this variant is likely to be tolerated. This variant has not been reported in the literature in individuals affected with CACNA1D-related conditions. This variant is not present in population databases (gnomAD no frequency). This sequence change replaces phenylalanine, which is neutral and non-polar, with leucine, which is neutral and non-polar, at codon 2056 of the CACNA1D protein (p.Phe2056Leu).